The following is an entry in ClinVar:

NM_005676.5(RBM10):c.1033T>C (p.Phe345Leu)

Gene: RBM10 (RNA binding motif protein 10; plus strand). Cytogenetic location: Xp11.3.
Variant type: single nucleotide variant.
Coding change: c.1033T>C on transcript NM_005676.5 (MANE Select); coding-DNA position 1033, T replaced by C.
Protein change: p.Phe345Leu; replaces phenylalanine 345 with leucine.
Molecular consequence: missense variant.
Genome position (GRCh38, 1-based): chrX:47,180,011, T>C. VCF-style: chrX-47180011-T-C. GRCh37 (hg19) VCF-style: chrX-47039410-T-C.
Other names: c.802T>C, p.Phe268Leu (NM_001204466.2, NM_152856.3); c.1033T>C, p.Phe345Leu (NM_001204467.2); c.1228T>C, p.Phe410Leu (NM_001204468.2); short protein forms F268L, F345L, F410L.
Identifiers: ClinVar variation 2430696 (VCV002430696.2), dbSNP rs2147174231, ClinGen allele CA412798294.
Genomic context (GRCh38, chrX:47,180,011, plus strand): 5'-GTGCTGTCCTCCTCCAACGTGCGCGTCATAAAGGACAAGCAGACCCAACTGAACCGCGGC[T>C]TTGCCTTCATCCAGCTCTCCACCATCGTGGTGAGGGCGGCACAGTTGGGGGCCGGGCAGC-3'
Protein context (NP_005667.2, residues 335-355): KDKQTQLNRG[Phe345Leu]AFIQLSTIVE

ClinVar aggregate classification (germline): Uncertain significance (1 of 4 stars; one submission).

Submission:

GeneDx
Classification: Uncertain significance. Last evaluated: 2024-09-26. Review status: criteria provided, single submitter. Criteria: GeneDx Variant Classification Process June 2021. Collection method: clinical testing. Allele origin: germline.
Comment: Not observed at significant frequency in large population cohorts (gnomAD); In silico analysis supports that this missense variant has a deleterious effect on protein structure/function; Has not been previously published as pathogenic or benign to our knowledge